The following is an entry in ClinVar:

NM_001042492.3(NF1):c.4836-20T>C

Gene: NF1 (neurofibromin 1; plus strand). Cytogenetic location: 17q11.2.
Variant type: single nucleotide variant.
Coding change: c.4836-20T>C on transcript NM_001042492.3 (MANE Select); 20 bases into the intron before coding-DNA position 4836, T replaced by C.
Molecular consequence: intron variant.
Genome position (GRCh38, 1-based): chr17:31,325,800, T>C. VCF-style: chr17-31325800-T-C. GRCh37 (hg19) VCF-style: chr17-29652818-T-C.
Other names: c.4773-20T>C (NM_000267.4).
Identifiers: ClinVar variation 5042328 (VCV005042328.1).

ClinVar aggregate classification (germline): Likely benign (1 of 4 stars; one submission).

Conditions:
Neurofibromatosis, type 1 (NF1). Also called: VON RECKLINGHAUSEN DISEASE; NEUROFIBROMATOSIS, TYPE I, SOMATIC; Peripheral type neurofibromatosis; Neurofibromatosis, type I. Identifiers: Orphanet 636, MedGen C0027831, MONDO:0018975, OMIM 162200. Disease mechanism: loss of function.

Submission:

Myriad Genetics, Inc.
Classification: Likely benign for Neurofibromatosis, type 1. Last evaluated: 2026-09-23. Review status: criteria provided, single submitter. Criteria: Myriad Autosomal Dominant, Autosomal Recessive and X-Linked Classification Criteria (2023). Collection method: clinical testing. Allele origin: unknown.
Comment: This variant is considered likely benign. This variant is intronic and is not expected to impact mRNA splicing.